The following is an entry in ClinVar:

ClinVar aggregate classification (germline): Pathogenic. Review status: criteria provided, multiple submitters, no conflicts (2 of 4 stars). 3 submissions from 3 submitters: Pathogenic (3). Last evaluated 2026-01-12.

Conditions:
Cerebral cavernous malformation (CCM). Also called: Cerebral cavernous malformations; CAVERNOUS ANGIOMA, FAMILIAL; CAVERNOUS ANGIOMATOUS MALFORMATIONS; CEREBRAL CAPILLARY MALFORMATIONS; Cerebral cavernous hemangioma (type); Cavernous Hemangioma of Brain. Identifiers: Orphanet 221061, MedGen C2919945, MONDO:0000820, OMIM 116860, HP:0033522.

Submissions (3):

GeneDx
Classification: Pathogenic. Last evaluated: 2026-01-12. Review status: criteria provided, single submitter. Criteria: GeneDx Variant Classification Process June 2021. Collection method: clinical testing. Allele origin: germline. Affected: yes.
Comment: Canonical splice site variant predicted to result in a null allele in a gene for which loss of function is a known mechanism of disease; Not observed at significant frequency in large population cohorts (gnomAD); This variant is associated with the following publications: (PMID: 27792856, 8750196, 10545614, 25525159, 19182478)

Labcorp Genetics (formerly Invitae), Labcorp
Classification: Pathogenic for Cerebral cavernous malformation. Last evaluated: 2025-06-11. Review status: criteria provided, single submitter. Criteria: Invitae Variant Classification Sherloc (09022015). Collection method: clinical testing. Allele origin: germline.
Comment: This sequence change affects a donor splice site in intron 12 of the KRIT1 gene. It is expected to disrupt RNA splicing. Variants that disrupt the donor or acceptor splice site typically lead to a loss of protein function (PMID: 16199547), and loss-of-function variants in KRIT1 are known to be pathogenic (PMID: 10508515, 11222804, 12404106, 24689081). This variant is not present in population databases (gnomAD no frequency). Disruption of this splice site has been observed in individuals with cerebral cavernous malformations (PMID: 27792856; internal data). This variant is also known as IVS4+1G>A. ClinVar contains an entry for this variant (Variation ID: 265215). Algorithms developed to predict the effect of sequence changes on RNA splicing suggest that this variant may disrupt the consensus splice site. For these reasons, this variant has been classified as Pathogenic.

PreventionGenetics, part of Exact Sciences
Classification: Pathogenic. Last evaluated: 2017-11-08. Review status: criteria provided, single submitter. Criteria: ACMG Guidelines, 2015. Collection method: clinical testing. Allele origin: germline.

Literature cited by the submitters: PubMed 16199547 (cited by Labcorp Genetics (formerly Invitae), Labcorp); PubMed 10508515 (cited by Labcorp Genetics (formerly Invitae), Labcorp); PubMed 11222804 (cited by Labcorp Genetics (formerly Invitae), Labcorp); PubMed 12404106 (cited by Labcorp Genetics (formerly Invitae), Labcorp); PubMed 24689081 (cited by Labcorp Genetics (formerly Invitae), Labcorp); PubMed 27792856 (cited by Labcorp Genetics (formerly Invitae), Labcorp).

NM_194454.3(KRIT1):c.1146+1G>A

Gene: KRIT1 (KRIT1 ankyrin repeat containing; minus strand). Cytogenetic location: 7q21.2.
Variant type: single nucleotide variant.
Coding change: c.1146+1G>A on transcript NM_194454.3 (MANE Select); the canonical splice donor site of the intron after coding-DNA position 1146, G replaced by A.
Molecular consequence: splice donor variant.
Genome position (GRCh38, 1-based): chr7:92,226,525, C>T on the plus strand (G>A on the coding strand, the complement: KRIT1 is on the minus strand). VCF-style: chr7-92226525-C-T. GRCh37 (hg19) VCF-style: chr7-91855839-C-T.
Other names: c.1146+1G>A (NM_001350672.1, NM_001350676.1, NM_001350673.1 and 26 more transcripts); c.1002+1G>A (NM_001350669.1, NM_001013406.2, NM_001350670.1); c.432+1G>A (NM_001350671.1).
Identifiers: ClinVar variation 265215 (VCV000265215.8), dbSNP rs886039401, ClinGen allele CA10588439.